The following is an entry in ClinVar:

NM_152906.7(TANGO2):c.607C>T (p.Gln203Ter)

Gene: TANGO2 (transport and golgi organization 2 homolog; plus strand). Cytogenetic location: 22q11.21.
Variant type: single nucleotide variant.
Coding change: c.607C>T on transcript NM_152906.7 (MANE Select); coding-DNA position 607, C replaced by T.
Protein change: p.Gln203Ter; replaces glutamine 203 with a stop codon.
Molecular consequence: nonsense. On other transcripts: missense variant (5), synonymous variant (1), non-coding transcript variant (5), intron variant (1).
Genome position (GRCh38, 1-based): chr22:20,063,339, C>T. VCF-style: chr22-20063339-C-T. GRCh37 (hg19) VCF-style: chr22-20050862-C-T.
Other names: c.607C>T, p.Gln203Ter (NM_001283106.3, NM_001283116.3, NM_001322142.2); c.730C>T, p.Gln244Ter (NM_001283129.3, NM_001322141.2, NM_001322143.2); c.605C>T, p.Ala202Val (NM_001283148.3, NM_001283154.3); c.421C>T, p.Gln141Ter (NM_001283179.3, NM_001283186.3, NM_001322163.2 and 2 more transcripts); c.382C>T, p.Gln128Ter (NM_001283199.3); c.313C>T, p.Gln105Ter (NM_001283235.3, NM_001322150.2, NM_001322153.2 and 6 more transcripts); c.267C>T, p.Gly89= (NM_001283248.3); c.728C>T, p.Ala243Val (NM_001322144.2); and 5 more; short protein forms A243V, Q105*, A202V, A140V, Q128*, Q141*, Q169*, Q182*.
Identifiers: ClinVar variation 1456565 (VCV001456565.6), dbSNP rs2147839517, ClinGen allele CA410700201.

ClinVar aggregate classification (germline): Pathogenic (1 of 4 stars; one submission).

Submission:

Labcorp Genetics (formerly Invitae), Labcorp
Classification: Pathogenic. Last evaluated: 2021-07-29. Review status: criteria provided, single submitter. Criteria: Invitae Variant Classification Sherloc (09022015). Collection method: clinical testing. Allele origin: germline.
Comment: This sequence change creates a premature translational stop signal (p.Gln203*) in the TANGO2 gene. It is expected to result in an absent or disrupted protein product. Loss-of-function variants in TANGO2 are known to be pathogenic (PMID: 26805781, 26805782). This variant is not present in population databases (ExAC no frequency). This variant has not been reported in the literature in individuals affected with TANGO2-related conditions. For these reasons, this variant has been classified as Pathogenic.

Literature cited by the submitters: PubMed 26805781; PubMed 26805782.